The following is an entry in ClinVar:

ClinVar aggregate classification (germline): Conflicting classifications of pathogenicity. Review status: criteria provided, conflicting classifications (1 of 4 stars). 5 submissions from 5 submitters: Uncertain significance (4); Likely benign (1). Last evaluated 2025-03-04.

Conditions:
Sessile serrated polyposis cancer syndrome (SSPCS). Identifiers: Orphanet 157798, MedGen C4310714, MONDO:0014919, OMIM 617108.

Allele frequency attached by ClinVar (database versions not stated): gnomAD 0.00001; ExAC 0.00002; TOPMed 0.00002.
gnomAD v4.1: 10 of 1,614,072 alleles (0.00062%); highest among the groups gnomAD compares: African/African-American, 0.0027%; no homozygotes.

Submissions (5):

Center for Genomic Medicine, Rigshospitalet, Copenhagen University Hospital
Classification: Uncertain significance. Last evaluated: 2025-03-04. Review status: criteria provided, single submitter. Criteria: ACMG Guidelines, 2015. Collection method: clinical testing. Allele origin: germline.

Ambry Genetics
Classification: Likely benign. Last evaluated: 2024-12-30. Review status: criteria provided, single submitter. Criteria: Ambry Variant Classification Scheme 2023. Collection method: clinical testing. Allele origin: germline.

Labcorp Genetics (formerly Invitae), Labcorp
Classification: Uncertain significance. Last evaluated: 2024-11-16. Review status: criteria provided, single submitter. Criteria: Invitae Variant Classification Sherloc (09022015). Collection method: clinical testing. Allele origin: germline.
Comment: This sequence change replaces arginine, which is basic and polar, with histidine, which is basic and polar, at codon 732 of the RNF43 protein (p.Arg732His). This variant is present in population databases (rs772096609, gnomAD 0.002%). This variant has not been reported in the literature in individuals affected with RNF43-related conditions. ClinVar contains an entry for this variant (Variation ID: 2190509). An algorithm developed to predict the effect of missense changes on protein structure and function outputs the following: PolyPhen-2: "Benign". The histidine amino acid residue is found in multiple mammalian species, which suggests that this missense change does not adversely affect protein function. In summary, the available evidence is currently insufficient to determine the role of this variant in disease. Therefore, it has been classified as a Variant of Uncertain Significance.

Baylor Genetics
Classification: Uncertain significance for Sessile serrated polyposis cancer syndrome. Last evaluated: 2024-03-13. Review status: criteria provided, single submitter. Criteria: ACMG Guidelines, 2015. Collection method: clinical testing. Allele origin: unknown.

GeneDx
Classification: Uncertain significance. Last evaluated: 2022-10-12. Review status: criteria provided, single submitter. Criteria: GeneDx Variant Classification Process June 2021. Collection method: clinical testing. Allele origin: germline. Affected: yes.
Comment: In silico analysis supports that this missense variant does not alter protein structure/function; Has not been previously published as pathogenic or benign to our knowledge; Variants in candidate genes are classified as variants of uncertain significance in accordance with ACMG guidelines (Richards et al., 2015)

NM_017763.6(RNF43):c.2195G>A (p.Arg732His)

Gene: RNF43 (ring finger protein 43; minus strand). Cytogenetic location: 17q22.
Variant type: single nucleotide variant.
Coding change: c.2195G>A on transcript NM_017763.6 (MANE Select); coding-DNA position 2195, G replaced by A.
Protein change: p.Arg732His; replaces arginine 732 with histidine.
Molecular consequence: missense variant.
Genome position (GRCh38, 1-based): chr17:58,357,581, C>T on the plus strand (G>A on the coding strand, the complement: RNF43 is on the minus strand). VCF-style: chr17-58357581-C-T. GRCh37 (hg19) VCF-style: chr17-56434942-C-T.
Other names: c.2195G>A (NM_017763.4); c.2195G>A, p.Arg732His (NM_001305544.3); c.1814G>A, p.Arg605His (NM_001305545.2); short protein forms R605H, R732H.
Identifiers: ClinVar variation 2190509 (VCV002190509.9), dbSNP rs772096609, ClinGen allele CA8673056.